The following is an entry in ClinVar:

NM_020843.4(SCAPER):c.2684C>G (p.Ser895Cys)

Gene: SCAPER (S-phase cyclin A associated protein in the ER; minus strand). Cytogenetic location: 15q24.3.
Variant type: single nucleotide variant.
Coding change: c.2684C>G on transcript NM_020843.4 (MANE Select); coding-DNA position 2684, C replaced by G.
Protein change: p.Ser895Cys; replaces serine 895 with cysteine.
Molecular consequence: missense variant. On other transcripts: non-coding transcript variant (1).
Genome position (GRCh38, 1-based): chr15:76,621,791, G>C on the plus strand (C>G on the coding strand, the complement: SCAPER is on the minus strand). VCF-style: chr15-76621791-G-C. GRCh37 (hg19) VCF-style: chr15-76914132-G-C.
Other names: c.1946C>G, p.Ser649Cys (NM_001145923.2); c.2702C>G, p.Ser901Cys (NM_001353009.2); c.2282C>G, p.Ser761Cys (NM_001353010.2, NM_001353012.2); c.2300C>G, p.Ser767Cys (NM_001353011.2); short protein forms S895C, S649C, S761C, S767C, S901C.
Identifiers: ClinVar variation 4991358 (VCV004991358.1).
Genomic context (GRCh38, chr15:76,621,791, plus strand): 5'-AAGAAAAGGAGAACTAAAATGTGGAATACTCACTTTGCTTTATAAGGTGAATCAGAGCCA[G>C]AATTTTTGGTTTCCATTAAACTCTCATATTCCTTAGCCCTGAAGAGAAAAAAAGTTTTAA-3'
Protein context (NP_065894.2, residues 885-905): EYESLMETKN[Ser895Cys]GSDSPYKAKL

ClinVar aggregate classification (germline): Uncertain significance (1 of 4 stars; one submission).

Conditions:
SCAPER-related disorder. Also called: SCAPER-related condition.

gnomAD v4.1: 1 of 1,608,218 alleles (0.000062%); highest among the groups gnomAD compares: Non-Finnish European, 0.000085%; no homozygotes.

Submission:

PreventionGenetics, part of Exact Sciences
Classification: Uncertain significance for SCAPER-related condition. Last evaluated: 2026-07-16. Review status: criteria provided, single submitter. Criteria: ACMG Guidelines, 2015. Collection method: clinical testing. Allele origin: germline.
Comment: The SCAPER c.2702C>G variant is predicted to result in the amino acid substitution p.Ser901Cys. To our knowledge, this variant has not been reported in the literature or in a large population database (gnomAD), indicating this variant is rare. At this time, the clinical significance of this variant is uncertain due to the absence of conclusive functional and genetic evidence.